The following is an entry in ClinVar:

NM_001029896.2(WDR45):c.351C>T (p.Ile117=)

Gene: WDR45 (WD repeat domain 45; minus strand). Cytogenetic location: Xp11.23.
Variant type: single nucleotide variant.
Coding change: c.351C>T on transcript NM_001029896.2 (MANE Select); coding-DNA position 351, C replaced by T.
Protein change: p.Ile117=; no amino-acid change (isoleucine 117 retained).
Molecular consequence: synonymous variant.
Genome position (GRCh38, 1-based): chrX:49,076,515, G>A on the plus strand (C>T on the coding strand, the complement: WDR45 is on the minus strand). VCF-style: chrX-49076515-G-A. GRCh37 (hg19) VCF-style: chrX-48934174-G-A.
Other names: c.354C>T, p.Ile118= (NM_007075.4).
Identifiers: ClinVar variation 383408 (VCV000383408.20), dbSNP rs140596058, ClinGen allele CA10408546.

ClinVar aggregate classification (germline): Benign/Likely benign. Review status: criteria provided, multiple submitters, no conflicts (2 of 4 stars). 8 submissions from 8 submitters: Benign (4); Likely benign (1). 3 of the submissions do not count toward it. Last evaluated 2026-02-02.

Conditions:
Inborn genetic diseases. Identifiers: MedGen C0950123, MeSH D030342.
Neurodegeneration with brain iron accumulation 5 (NBIA5). Also called: STATIC ENCEPHALOPATHY OF CHILDHOOD WITH NEURODEGENERATION IN ADULTHOOD; Beta-propeller protein-associated neurodegeneration. Identifiers: Orphanet 329284, MedGen C3550973, MONDO:0010476, OMIM 300894.

Allele frequency attached by ClinVar (database versions not stated): TOPMed 0.00088; gnomAD exomes 0.00089 and 0.00218; ExAC 0.00091; gnomAD 0.00101; 1000 Genomes Project 30x 0.00125; 1000 Genomes Project 0.00132; ESP Exome Variant Server 0.00199.
gnomAD v4.1: 2,486 of 1,210,619 alleles (0.21%); highest among the groups gnomAD compares: Non-Finnish European, 0.26%; 3 homozygotes.

Submissions (8):

Labcorp Genetics (formerly Invitae), Labcorp
Classification: Benign for Neurodegeneration with brain iron accumulation 5. Last evaluated: 2026-02-02. Review status: criteria provided, single submitter. Criteria: Invitae Variant Classification Sherloc (09022015). Collection method: clinical testing. Allele origin: germline.

Blueprint Genetics
Classification: Likely benign. Last evaluated: 2024-10-23. Review status: criteria provided, single submitter. Criteria: ACMG Guidelines, 2015. Collection method: clinical testing. Allele origin: germline.

Athena Diagnostics
Classification: Benign. Last evaluated: 2018-03-30. Review status: criteria provided, single submitter. Criteria: Athena Diagnostics Criteria. Collection method: clinical testing. Allele origin: germline.

Ambry Genetics
Classification: Benign for Inborn genetic diseases. Last evaluated: 2017-01-27. Review status: criteria provided, single submitter. Criteria: Ambry Variant Classification Scheme 2023. Collection method: clinical testing. Allele origin: germline.

GeneDx
Classification: Benign. Last evaluated: 2016-03-07. Review status: criteria provided, single submitter. Criteria: GeneDx Variant Classification (06012015). Collection method: clinical testing. Allele origin: germline. Affected: yes.
Comment: This variant is considered likely benign or benign based on one or more of the following criteria: it is a conservative change, it occurs at a poorly conserved position in the protein, it is predicted to be benign by multiple in silico algorithms, and/or has population frequency not consistent with disease.

Clinical Genetics DNA and cytogenetics Diagnostics Lab, Erasmus MC, Erasmus Medical Center
Classification: Likely benign. Review status: no assertion criteria provided. Collection method: clinical testing. Allele origin: germline. Affected: yes. Study: VKGL Data-share Consensus. Not counted in ClinVar's aggregate classification.

Diagnostic Laboratory, Department of Genetics, University Medical Center Groningen
Classification: Likely benign for Neurodegeneration with brain iron accumulation 5. Review status: no assertion criteria provided. Collection method: clinical testing. Allele origin: germline. Affected: yes. Study: VKGL Data-share Consensus. Not counted in ClinVar's aggregate classification.

Genome Diagnostics Laboratory, University Medical Center Utrecht
Classification: Benign. Review status: no assertion criteria provided. Collection method: clinical testing. Allele origin: germline. Affected: yes. Study: VKGL Data-share Consensus. Not counted in ClinVar's aggregate classification.